The following is an entry in ClinVar:

ClinVar aggregate classification (germline): Likely benign. Review status: criteria provided, multiple submitters, no conflicts (2 of 4 stars). 2 submissions from 2 submitters: Likely benign (2). Last evaluated 2026-05-26.

Conditions:
INF2-related disorder. Also called: INF2-related condition.
Focal segmental glomerulosclerosis 5 (FSGS5). Identifiers: Orphanet 656, MedGen C2750475, MONDO:0013191, OMIM 613237.
Charcot-Marie-Tooth disease dominant intermediate E. Also called: CHARCOT-MARIE-TOOTH NEUROPATHY WITH FOCAL SEGMENTAL GLOMERULONEPHRITIS. Identifiers: Orphanet 93114, MedGen C4302667, MONDO:0013758, OMIM 614455.

Allele frequency attached by ClinVar (database versions not stated): gnomAD exomes below 0.00001; TOPMed below 0.00001; ExAC 0.00001; gnomAD 0.00001.
gnomAD v4.1: 11 of 1,605,708 alleles (0.00069%); highest among the groups gnomAD compares: Non-Finnish European, 0.00094%; no homozygotes.

Submissions (2):

PreventionGenetics, part of Exact Sciences
Classification: Likely benign for INF2-related condition. Last evaluated: 2026-05-26. Review status: criteria provided, single submitter. Criteria: ACMG Guidelines, 2015. Collection method: clinical testing. Allele origin: germline.
Comment: This variant is classified as likely benign based on ACMG/AMP sequence variant interpretation guidelines (Richards et al. 2015 PMID: 25741868, with internal and published modifications).

Labcorp Genetics (formerly Invitae), Labcorp
Classification: Likely benign for Charcot-Marie-Tooth disease dominant intermediate E; Focal segmental glomerulosclerosis 5. Last evaluated: 2020-12-01. Review status: criteria provided, single submitter. Criteria: Invitae Variant Classification Sherloc (09022015). Collection method: clinical testing. Allele origin: germline.

NM_022489.4(INF2):c.2611-7C>T

Gene: INF2 (inverted formin 2; plus strand). Cytogenetic location: 14q32.33.
Variant type: single nucleotide variant.
Coding change: c.2611-7C>T on transcript NM_022489.4 (MANE Select); 7 bases into the intron before coding-DNA position 2611, C replaced by T.
Molecular consequence: intron variant.
Genome position (GRCh38, 1-based): chr14:104,712,821, C>T. VCF-style: chr14-104712821-C-T. GRCh37 (hg19) VCF-style: chr14-105179158-C-T.
Other names: c.2611-7C>T (NM_022489.3, NM_001031714.4).
Identifiers: ClinVar variation 1631231 (VCV001631231.9), dbSNP rs770565682, ClinGen allele CA7373021.